The following is an entry in ClinVar:

NM_032043.3(BRIP1):c.2542C>G (p.Arg848Gly)

Gene: BRIP1 (BRCA1 interacting DNA helicase 1; minus strand). Cytogenetic location: 17q23.2.
Variant type: single nucleotide variant.
Coding change: c.2542C>G on transcript NM_032043.3 (MANE Select); coding-DNA position 2542, C replaced by G.
Protein change: p.Arg848Gly; replaces arginine 848 with glycine.
Molecular consequence: missense variant.
Genome position (GRCh38, 1-based): chr17:61,693,463, G>C on the plus strand (C>G on the coding strand, the complement: BRIP1 is on the minus strand). VCF-style: chr17-61693463-G-C. GRCh37 (hg19) VCF-style: chr17-59770824-G-C.
Other names: short protein forms R848G.
Identifiers: ClinVar variation 230868 (VCV000230868.16), dbSNP rs45572934, ClinGen allele CA10580795.

ClinVar aggregate classification (germline): Uncertain significance. Review status: criteria provided, multiple submitters, no conflicts (2 of 4 stars). 4 submissions from 4 submitters: Uncertain significance (4). Last evaluated 2025-10-16.

Conditions:
Hereditary cancer-predisposing syndrome. Also called: Hereditary Cancer Syndrome; Neoplastic Syndromes, Hereditary; Tumor predisposition; Hereditary neoplastic syndrome. Identifiers: Orphanet 140162, MedGen C0027672, MeSH D009386, MONDO:0015356.
Fanconi anemia complementation group J. Also called: BRIP1-Related Fanconi Anemia. Identifiers: Orphanet 84, MedGen C1836860, MONDO:0012187, OMIM 609054.
Familial cancer of breast. Also called: Hereditary breast cancer; hereditary breast carcinoma; BREAST CANCER, FAMILIAL. Identifiers: Orphanet 227535, MedGen C0346153, MONDO:0016419, OMIM 114480. Disease mechanism: loss of function.
Breast and/or ovarian cancer. Identifiers: MedGen CN221562.

Submissions (4):

Ambry Genetics
Classification: Uncertain significance for Hereditary cancer-predisposing syndrome. Last evaluated: 2025-10-16. Review status: criteria provided, single submitter. Criteria: Ambry Variant Classification Scheme 2023. Collection method: clinical testing. Allele origin: germline.
Comment: The p.R848G variant (also known as c.2542C>G), located in coding exon 17 of the BRIP1 gene, results from a C to G substitution at nucleotide position 2542. The arginine at codon 848 is replaced by glycine, an amino acid with dissimilar properties. This amino acid position is highly conserved in available vertebrate species. In addition, this alteration is predicted to be deleterious by in silico analysis. Based on the available evidence, the clinical significance of this variant remains unclear.

Labcorp Genetics (formerly Invitae), Labcorp
Classification: Uncertain significance for Familial cancer of breast; Fanconi anemia complementation group J. Last evaluated: 2024-04-23. Review status: criteria provided, single submitter. Criteria: Invitae Variant Classification Sherloc (09022015). Collection method: clinical testing. Allele origin: germline.
Comment: This sequence change replaces arginine, which is basic and polar, with glycine, which is neutral and non-polar, at codon 848 of the BRIP1 protein (p.Arg848Gly). This variant is not present in population databases (gnomAD no frequency). This variant has not been reported in the literature in individuals affected with BRIP1-related conditions. ClinVar contains an entry for this variant (Variation ID: 230868). Advanced modeling of protein sequence and biophysical properties (such as structural, functional, and spatial information, amino acid conservation, physicochemical variation, residue mobility, and thermodynamic stability) performed at Invitae indicates that this missense variant is expected to disrupt BRIP1 protein function with a positive predictive value of 80%. This variant disrupts the p.Arg848 amino acid residue in BRIP1. Other variant(s) that disrupt this residue have been determined to be pathogenic (PMID: 26790966, 27074266, 29368626, 31558676, 33028645). This suggests that this residue is clinically significant, and that variants that disrupt this residue are likely to be disease-causing. In summary, the available evidence is currently insufficient to determine the role of this variant in disease. Therefore, it has been classified as a Variant of Uncertain Significance.

Baylor Genetics
Classification: Uncertain significance for Familial cancer of breast. Last evaluated: 2023-10-22. Review status: criteria provided, single submitter. Criteria: ACMG Guidelines, 2015. Collection method: clinical testing. Allele origin: unknown.

CHEO Genetics Diagnostic Laboratory, Children's Hospital of Eastern Ontario
Classification: Uncertain significance for Breast and/or ovarian cancer. Last evaluated: 2022-12-23. Review status: criteria provided, single submitter. Criteria: ACMG Guidelines, 2015. Collection method: clinical testing. Allele origin: germline.

Literature cited by the submitters: PubMed 26790966 (cited by Labcorp Genetics (formerly Invitae), Labcorp); PubMed 27074266 (cited by Labcorp Genetics (formerly Invitae), Labcorp); PubMed 29368626 (cited by Labcorp Genetics (formerly Invitae), Labcorp); PubMed 31558676 (cited by Labcorp Genetics (formerly Invitae), Labcorp); PubMed 33028645 (cited by Labcorp Genetics (formerly Invitae), Labcorp).